The following is an entry in ClinVar:

NM_005896.4(IDH1):c.1060T>G (p.Phe354Val)

Gene: IDH1 (isocitrate dehydrogenase (NADP(+)) 1; minus strand). Cytogenetic location: 2q34.
Variant type: single nucleotide variant.
Coding change: c.1060T>G on transcript NM_005896.4 (MANE Select); coding-DNA position 1060, T replaced by G.
Protein change: p.Phe354Val; replaces phenylalanine 354 with valine.
Molecular consequence: missense variant.
Genome position (GRCh38, 1-based): chr2:208,239,165, A>C on the plus strand (T>G on the coding strand, the complement: IDH1 is on the minus strand). VCF-style: chr2-208239165-A-C. GRCh37 (hg19) VCF-style: chr2-209103889-A-C.
Other names: c.1060T>G, p.Phe354Val (NM_001282386.1, NM_001282387.1); short protein forms F354V.
Identifiers: ClinVar variation 2453234 (VCV002453234.2), dbSNP rs536880332, ClinGen allele CA2078825.

ClinVar aggregate classification (germline): Uncertain significance (1 of 4 stars; one submission).

Allele frequency attached by ClinVar (database versions not stated): ExAC 0.00001; 1000 Genomes Project 30x 0.00016; 1000 Genomes Project 0.00020.
gnomAD v4.1: 1 of 1,614,142 alleles (0.000062%); highest among the groups gnomAD compares: South Asian, 0.0011%; no homozygotes.

Submission:

Ambry Genetics
Classification: Uncertain significance. Last evaluated: 2023-02-25. Review status: criteria provided, single submitter. Criteria: Ambry Variant Classification Scheme 2023. Collection method: clinical testing. Allele origin: germline.
Comment: The p.F354V variant (also known as c.1060T>G), located in coding exon 7 of the IDH1 gene, results from a T to G substitution at nucleotide position 1060. The phenylalanine at codon 354 is replaced by valine, an amino acid with highly similar properties. This amino acid position is conserved. In addition, this alteration is predicted to be tolerated by in silico analysis. Since supporting evidence is limited at this time, the clinical significance of this alteration remains unclear.